The following is an entry in ClinVar:

NM_006660.5(CLPX):c.1775A>G (p.Glu592Gly)

Gene: CLPX (caseinolytic mitochondrial matrix peptidase chaperone subunit X; minus strand). Cytogenetic location: 15q22.31.
Variant type: single nucleotide variant.
Coding change: c.1775A>G on transcript NM_006660.5 (MANE Select); coding-DNA position 1775, A replaced by G.
Protein change: p.Glu592Gly; replaces glutamic acid 592 with glycine.
Molecular consequence: missense variant. On other transcripts: non-coding transcript variant (1).
Genome position (GRCh38, 1-based): chr15:65,152,466, T>C on the plus strand (A>G on the coding strand, the complement: CLPX is on the minus strand). VCF-style: chr15-65152466-T-C. GRCh37 (hg19) VCF-style: chr15-65444804-T-C.
Other names: short protein forms E592G.
Identifiers: ClinVar variation 3648108 (VCV003648108.2).

ClinVar aggregate classification (germline): Uncertain significance (1 of 4 stars; one submission).

gnomAD v4.1: 5 of 1,562,928 alleles (0.00032%); highest among the groups gnomAD compares: African/African-American, 0.0069%; no homozygotes.

Submission:

Labcorp Genetics (formerly Invitae), Labcorp
Classification: Uncertain significance. Last evaluated: 2024-09-29. Review status: criteria provided, single submitter. Criteria: Invitae Variant Classification Sherloc (09022015). Collection method: clinical testing. Allele origin: germline.
Comment: This sequence change replaces glutamic acid, which is acidic and polar, with glycine, which is neutral and non-polar, at codon 592 of the CLPX protein (p.Glu592Gly). This variant is present in population databases (rs750379547, gnomAD 0.02%). This variant has not been reported in the literature in individuals affected with CLPX-related conditions. Invitae Evidence Modeling of protein sequence and biophysical properties (such as structural, functional, and spatial information, amino acid conservation, physicochemical variation, residue mobility, and thermodynamic stability) indicates that this missense variant is not expected to disrupt CLPX protein function with a negative predictive value of 80%. In summary, the available evidence is currently insufficient to determine the role of this variant in disease. Therefore, it has been classified as a Variant of Uncertain Significance.